The following is an entry in ClinVar:

NM_012144.4(DNAI1):c.2001+1G>T

Gene: DNAI1 (dynein axonemal intermediate chain 1; plus strand). Cytogenetic location: 9p13.3.
Variant type: single nucleotide variant.
Coding change: c.2001+1G>T on transcript NM_012144.4 (MANE Select); the canonical splice donor site of the intron after coding-DNA position 2001, G replaced by T.
Molecular consequence: splice donor variant.
Genome position (GRCh38, 1-based): chr9:34,517,468, G>T. VCF-style: chr9-34517468-G-T. GRCh37 (hg19) VCF-style: chr9-34517466-G-T.
Other names: c.2013+1G>T (NM_001281428.2).
Identifiers: ClinVar variation 2746742 (VCV002746742.3), dbSNP rs397515563, ClinGen allele CA373267118.
Genomic context (GRCh38, chr9:34,517,468, plus strand): 5'-GATGACCGTGGGCACATCATCAGCCTCAAGCTCTCACCCAATTTGCGCAAGATGCCAAAG[G>T]TACAGGCTCTGGGACTTTGAGCTGCTGCAAGACGTAAAGTCTCCAGGAGGGTGGGGATGA-3'

ClinVar aggregate classification (germline): Pathogenic (1 of 4 stars; one submission).

Conditions:
Primary ciliary dyskinesia. Also called: Ciliary dyskinesia. Identifiers: Orphanet 244, MedGen C0008780, MONDO:0016575, HP:0012265.

Submission:

Labcorp Genetics (formerly Invitae), Labcorp
Classification: Pathogenic for Primary ciliary dyskinesia. Last evaluated: 2023-07-25. Review status: criteria provided, single submitter. Criteria: Invitae Variant Classification Sherloc (09022015). Collection method: clinical testing. Allele origin: germline.
Comment: This sequence change affects a donor splice site in intron 19 of the DNAI1 gene. While this variant is not anticipated to result in nonsense mediated decay, it likely alters RNA splicing and results in a disrupted protein product. For these reasons, this variant has been classified as Pathogenic. Variants that disrupt the consensus splice site are a relatively common cause of aberrant splicing (PMID: 17576681, 9536098). Algorithms developed to predict the effect of sequence changes on RNA splicing suggest that this variant may disrupt the consensus splice site. Disruption of this splice site has been observed in individual(s) with primary ciliary dyskinesia (PMID: 16858015; Invitae). In at least one individual the data is consistent with being in trans (on the opposite chromosome) from a pathogenic variant. This variant is not present in population databases (gnomAD no frequency).

Literature cited by the submitters: PubMed 17576681; PubMed 9536098; PubMed 16858015.